The following is an entry in ClinVar:

NM_000038.6(APC):c.656C>T (p.Ala219Val)

Gene: APC (APC regulator of Wnt signaling pathway; plus strand). Cytogenetic location: 5q22.2.
Variant type: single nucleotide variant.
Coding change: c.656C>T on transcript NM_000038.6 (MANE Select); coding-DNA position 656, C replaced by T.
Protein change: p.Ala219Val; replaces alanine 219 with valine.
Molecular consequence: missense variant. On other transcripts: 5 prime UTR variant (4), non-coding transcript variant (2), intron variant (5).
Genome position (GRCh38, 1-based): chr5:112,792,456, C>T. VCF-style: chr5-112792456-C-T. GRCh37 (hg19) VCF-style: chr5-112128153-C-T.
Other names: c.656C>T (NM_000038.5); c.656C>T, p.Ala219Val (NM_001127510.3, NM_001354895.2, NM_001354896.2 and 12 more transcripts); c.686C>T, p.Ala229Val (NM_001354897.2, NM_001354902.2, NM_001407446.1); c.581C>T, p.Ala194Val (NM_001354898.2, NM_001354904.2, NM_001407451.1); c.479C>T, p.Ala160Val (NM_001354900.2, NM_001354901.2, NM_001354905.2 and 1 more transcripts); c.-380C>T (NM_001354906.2, NM_001407470.1, NM_001407471.1 and 1 more transcripts); c.646-8823C>T (NM_001407452.1, NM_001407469.1, NM_001354899.2 and 1 more transcripts); c.676-8823C>T (NM_001127511.3); short protein forms A160V, A194V, A219V, A229V.
Identifiers: ClinVar variation 3074500 (VCV003074500.2), dbSNP rs1561502152, ClinGen allele CA16022770.

ClinVar aggregate classification (germline): Uncertain significance. Review status: criteria provided, multiple submitters, no conflicts (2 of 4 stars). 2 submissions from 2 submitters: Uncertain significance (2). Last evaluated 2026-07-30.

Conditions:
Hereditary cancer-predisposing syndrome. Also called: Tumor predisposition; Hereditary Cancer Syndrome; Neoplastic Syndromes, Hereditary; Hereditary neoplastic syndrome. Identifiers: Orphanet 140162, MedGen C0027672, MeSH D009386, MONDO:0015356.
Classic or attenuated familial adenomatous polyposis. Identifiers: MedGen CN372698, MONDO:0021057.

Submissions (2):

Ambry Genetics
Classification: Uncertain significance for Hereditary cancer-predisposing syndrome. Last evaluated: 2026-07-30. Review status: criteria provided, single submitter. Criteria: Ambry Variant Classification Scheme 2023. Collection method: clinical testing. Allele origin: germline.
Comment: The p.A219V variant (also known as c.656C>T), located in coding exon 6 of the APC gene, results from a C to T substitution at nucleotide position 656. The alanine at codon 219 is replaced by valine, an amino acid with similar properties. This amino acid position is not well conserved in available vertebrate species. In addition, in silico predictors for this gene do not accurately predict pathogenicity. Missense variants in APC are not a common cause of disease (Spier I et al. Genet Med. 2024 Feb;26(2):100992). Based on the available evidence, the clinical significance of this variant remains unclear.

All of Us Research Program, National Institutes of Health
Classification: Uncertain significance for Classic or attenuated familial adenomatous polyposis. Last evaluated: 2023-11-20. Review status: criteria provided, single submitter. Criteria: ACMG Guidelines, 2015. Collection method: clinical testing. Allele origin: germline. Inheritance: Autosomal dominant inheritance. Observed: 1 variant allele, 1 heterozygote.
Comment: This missense variant replaces alanine with valine at codon 219 of the APC protein. Computational prediction suggests that this variant may not impact protein structure and function (internally defined REVEL score threshold <= 0.5, PMID: 27666373). To our knowledge, functional studies have not been reported for this variant. This variant has not been reported in individuals affected with APC-related disorders in the literature. This variant has not been identified in the general population by the Genome Aggregation Database (gnomAD). The available evidence is insufficient to determine the role of this variant in disease conclusively. Therefore, this variant is classified as a Variant of Uncertain Significance.

This study involves interpretation of variants in research participants for the purpose of population health screening. Participant phenotype was not available at the time of variant classification. Additional details can be found in publication PMID: 35346344, PMCID: PMC8962531